The following is an entry in ClinVar:

ClinVar aggregate classification (germline): Uncertain significance (1 of 4 stars; one submission).

gnomAD v4.1: 1 of 1,612,962 alleles (0.000062%); highest among the groups gnomAD compares: East Asian, 0.0022%; no homozygotes.

Submission:

Labcorp Genetics (formerly Invitae), Labcorp
Classification: Uncertain significance. Last evaluated: 2024-04-30. Review status: criteria provided, single submitter. Criteria: Invitae Variant Classification Sherloc (09022015). Collection method: clinical testing. Allele origin: germline.
Comment: This sequence change replaces valine, which is neutral and non-polar, with leucine, which is neutral and non-polar, at codon 253 of the EFEMP1 protein (p.Val253Leu). This variant is not present in population databases (gnomAD no frequency). This variant has not been reported in the literature in individuals affected with EFEMP1-related conditions. Advanced modeling of protein sequence and biophysical properties (such as structural, functional, and spatial information, amino acid conservation, physicochemical variation, residue mobility, and thermodynamic stability) performed at Invitae indicates that this missense variant is not expected to disrupt EFEMP1 protein function with a negative predictive value of 80%. In summary, the available evidence is currently insufficient to determine the role of this variant in disease. Therefore, it has been classified as a Variant of Uncertain Significance.

NM_001039348.3(EFEMP1):c.757G>T (p.Val253Leu)

Gene: EFEMP1 (EGF-like fibulin extracellular matrix protein 1; minus strand). Cytogenetic location: 2p16.1.
Variant type: single nucleotide variant.
Coding change: c.757G>T on transcript NM_001039348.3 (MANE Select); coding-DNA position 757, G replaced by T.
Protein change: p.Val253Leu; replaces valine 253 with leucine.
Molecular consequence: missense variant.
Genome position (GRCh38, 1-based): chr2:55,877,749, C>A on the plus strand (G>T on the coding strand, the complement: EFEMP1 is on the minus strand). VCF-style: chr2-55877749-C-A. GRCh37 (hg19) VCF-style: chr2-56104884-C-A.
Other names: c.757G>T, p.Val253Leu (NM_001039349.3); short protein forms V253L.
Identifiers: ClinVar variation 3651677 (VCV003651677.2).
Genomic context (GRCh38, chr2:55,877,749, plus strand): 5'-ATGGCATGGGGTTTCCTTTTGTGAAGACAGAAATCAGCAAGTTCTCAAAAGGCTTACCTA[C>A]GCAGGTATAGTTGTTTGCTGCCAATTGAAACCCAGGACTGCACTGGCAATAAAATGAGCC-3'
Protein context (NP_001034437.1, residues 243-263): FQLAANNYTC[Val253Leu]DINECDASNQ